The following is an entry in ClinVar:

NM_014846.4(WASHC5):c.1651G>A (p.Val551Ile)

Gene: WASHC5 (WASH complex subunit 5; minus strand). Cytogenetic location: 8q24.13.
Variant type: single nucleotide variant.
Coding change: c.1651G>A on transcript NM_014846.4 (MANE Select); coding-DNA position 1651, G replaced by A.
Protein change: p.Val551Ile; replaces valine 551 with isoleucine.
Molecular consequence: missense variant.
Genome position (GRCh38, 1-based): chr8:125,059,413, C>T on the plus strand (G>A on the coding strand, the complement: WASHC5 is on the minus strand). VCF-style: chr8-125059413-C-T. GRCh37 (hg19) VCF-style: chr8-126071655-C-T.
Other names: c.1207G>A, p.Val403Ile (NM_001330609.2); short protein forms V403I, V551I.
Identifiers: ClinVar variation 3762789 (VCV003762789.2).

ClinVar aggregate classification (germline): Uncertain significance (1 of 4 stars; one submission).

Conditions:
Ritscher-Schinzel syndrome. Also called: CRANIOCEREBELLOCARDIAC DYSPLASIA. Identifiers: Orphanet 7, MedGen C0796137, MONDO:0019078.
Hereditary spastic paraplegia 8 (SPG8). Also called: SPASTIC PARAPLEGIA 8, AUTOSOMAL DOMINANT. Identifiers: Orphanet 100989, MedGen C1863704, MONDO:0011339, OMIM 603563.

gnomAD v4.1: 28 of 1,614,030 alleles (0.0017%); highest among the groups gnomAD compares: Middle Eastern, 0.016%; no homozygotes.

Submission:

Labcorp Genetics (formerly Invitae), Labcorp
Classification: Uncertain significance for Ritscher-Schinzel syndrome; Hereditary spastic paraplegia 8. Last evaluated: 2024-02-14. Review status: criteria provided, single submitter. Criteria: Invitae Variant Classification Sherloc (09022015). Collection method: clinical testing. Allele origin: germline.
Comment: This sequence change replaces valine, which is neutral and non-polar, with isoleucine, which is neutral and non-polar, at codon 551 of the WASHC5 protein (p.Val551Ile). This variant is present in population databases (rs374338104, gnomAD 0.003%). This variant has not been reported in the literature in individuals affected with WASHC5-related conditions. Advanced modeling of protein sequence and biophysical properties (such as structural, functional, and spatial information, amino acid conservation, physicochemical variation, residue mobility, and thermodynamic stability) performed at Invitae indicates that this missense variant is not expected to disrupt WASHC5 protein function with a negative predictive value of 80%. In summary, the available evidence is currently insufficient to determine the role of this variant in disease. Therefore, it has been classified as a Variant of Uncertain Significance.